The following is an entry in ClinVar:

NM_000548.5(TSC2):c.4933T>C (p.Phe1645Leu)

Gene: TSC2 (TSC complex subunit 2; plus strand). Cytogenetic location: 16p13.3.
Variant type: single nucleotide variant.
Coding change: c.4933T>C on transcript NM_000548.5 (MANE Select); coding-DNA position 4933, T replaced by C.
Protein change: p.Phe1645Leu; replaces phenylalanine 1645 with leucine.
Molecular consequence: missense variant.
Genome position (GRCh38, 1-based): chr16:2,086,815, T>C. VCF-style: chr16-2086815-T-C. GRCh37 (hg19) VCF-style: chr16-2136816-T-C.
Other names: c.4732T>C, p.Phe1578Leu (NM_001077183.3); c.4864T>C, p.Phe1622Leu (NM_001114382.3); c.4624T>C, p.Phe1542Leu (NM_001318827.2); c.4588T>C, p.Phe1530Leu (NM_001318829.2); c.4201T>C, p.Phe1401Leu (NM_001318831.2); c.4765T>C, p.Phe1589Leu (NM_001318832.2); c.4735T>C, p.Phe1579Leu (NM_001363528.2); c.4801T>C, p.Phe1601Leu (NM_001370404.1); and 1 more; short protein forms F1579L, F1622L, F1645L, F1401L, F1542L, F1578L, F1530L, F1589L.
Identifiers: ClinVar variation 825308 (VCV000825308.14), dbSNP rs1596443758, ClinGen allele CA394308678.
Genomic context (GRCh38, chr16:2,086,815, plus strand): 5'-ATGCCCACCAAGGACGTGGACAAGCACCGCTGCGACAAGAAGCGCCACCTGGGCAACGAC[T>C]TTGTGTCCATTGTCTACAATGACTCCGGTGAGGACTTCAAGCTTGGCACCATCAAGGTGA-3'
Protein context (NP_000539.2, residues 1635-1655): CDKKRHLGND[Phe1645Leu]VSIVYNDSGE

ClinVar aggregate classification (germline): Uncertain significance. Review status: criteria provided, multiple submitters, no conflicts (2 of 4 stars). 3 submissions from 3 submitters: Uncertain significance (3). Last evaluated 2025-01-26.

Conditions:
Hereditary cancer-predisposing syndrome. Also called: Neoplastic Syndromes, Hereditary; Hereditary Cancer Syndrome; Hereditary neoplastic syndrome; Tumor predisposition. Identifiers: Orphanet 140162, MedGen C0027672, MeSH D009386, MONDO:0015356.
Tuberous sclerosis 2 (TSC2). Identifiers: Orphanet 805, MedGen C1860707, MONDO:0013199, OMIM 613254.

Allele frequency attached by ClinVar (database versions not stated): gnomAD exomes below 0.00001.
gnomAD v4.1: 1 of 1,610,126 alleles (0.000062%); highest among the groups gnomAD compares: Non-Finnish European, 0.000085%; no homozygotes.

Submissions (3):

Labcorp Genetics (formerly Invitae), Labcorp
Classification: Uncertain significance for Tuberous sclerosis 2. Last evaluated: 2025-01-26. Review status: criteria provided, single submitter. Criteria: Invitae Variant Classification Sherloc (09022015). Collection method: clinical testing. Allele origin: germline.
Comment: This sequence change replaces phenylalanine, which is neutral and non-polar, with leucine, which is neutral and non-polar, at codon 1645 of the TSC2 protein (p.Phe1645Leu). This variant is not present in population databases (gnomAD no frequency). This missense change has been observed in individual(s) with tuberous sclerosis complex (PMID: 35870981). ClinVar contains an entry for this variant (Variation ID: 825308). Invitae Evidence Modeling of protein sequence and biophysical properties (such as structural, functional, and spatial information, amino acid conservation, physicochemical variation, residue mobility, and thermodynamic stability) indicates that this missense variant is not expected to disrupt TSC2 protein function with a negative predictive value of 95%. In summary, the available evidence is currently insufficient to determine the role of this variant in disease. Therefore, it has been classified as a Variant of Uncertain Significance.

Ambry Genetics
Classification: Uncertain significance for Hereditary cancer-predisposing syndrome. Last evaluated: 2023-12-07. Review status: criteria provided, single submitter. Criteria: Ambry Variant Classification Scheme 2023. Collection method: clinical testing. Allele origin: germline.
Comment: The p.F1645L variant (also known as c.4933T>C), located in coding exon 37 of the TSC2 gene, results from a T to C substitution at nucleotide position 4933. The phenylalanine at codon 1645 is replaced by leucine, an amino acid with highly similar properties. This amino acid position is highly conserved in available vertebrate species. In addition, this alteration is predicted to be deleterious by in silico analysis. Since supporting evidence is limited at this time, the clinical significance of this alteration remains unclear.

Genome-Nilou Lab
Classification: Uncertain significance for Tuberous sclerosis 2. Last evaluated: 2021-11-07. Review status: criteria provided, single submitter. Criteria: ACMG Guidelines, 2015. Collection method: clinical testing. Allele origin: germline. Affected: no.

Literature cited by the submitters: PubMed 35870981 (cited by Labcorp Genetics (formerly Invitae), Labcorp).